The following is an entry in ClinVar:

ClinVar aggregate classification (germline): Conflicting classifications of pathogenicity. Review status: criteria provided, conflicting classifications (1 of 4 stars). 2 submissions from 2 submitters: Uncertain significance (1); Likely benign (1). Last evaluated 2025-11-01.

Allele frequency attached by ClinVar (database versions not stated): ExAC 0.00003; ESP Exome Variant Server 0.00012.
gnomAD v4.1: 27 of 1,612,806 alleles (0.0017%); highest among the groups gnomAD compares: East Asian, 0.0022%; no homozygotes.

Submissions (2):

Labcorp Genetics (formerly Invitae), Labcorp
Classification: Likely benign. Last evaluated: 2025-11-01. Review status: criteria provided, single submitter. Criteria: Invitae Variant Classification Sherloc (09022015). Collection method: clinical testing. Allele origin: germline.

GeneDx
Classification: Uncertain significance. Last evaluated: 2020-07-14. Review status: criteria provided, single submitter. Criteria: GeneDx Variant Classification Process June 2021. Collection method: clinical testing. Allele origin: germline. Affected: yes.
Comment: Has not been previously published as pathogenic or benign to our knowledge; Not observed at a significant frequency in large population cohorts (Lek et al., 2016); In silico analysis supports that this missense variant has a deleterious effect on protein structure/function

NM_080680.3(COL11A2):c.3992G>A (p.Arg1331Gln)

Gene: COL11A2 (collagen type XI alpha 2 chain; minus strand). Cytogenetic location: 6p21.32.
Variant type: single nucleotide variant.
Coding change: c.3992G>A on transcript NM_080680.3 (MANE Select); coding-DNA position 3992, G replaced by A.
Protein change: p.Arg1331Gln; replaces arginine 1331 with glutamine.
Molecular consequence: missense variant.
Genome position (GRCh38, 1-based): chr6:33,167,821, C>T on the plus strand (G>A on the coding strand, the complement: COL11A2 is on the minus strand). VCF-style: chr6-33167821-C-T. GRCh37 (hg19) VCF-style: chr6-33135598-C-T.
Other names: c.3671G>A, p.Arg1224Gln (NM_080679.3); c.3734G>A, p.Arg1245Gln (NM_080681.3); short protein forms R1224Q, R1245Q, R1331Q.
Identifiers: ClinVar variation 1313125 (VCV001313125.6), dbSNP rs146082418, ClinGen allele CA3750272.
Genomic context (GRCh38, chr6:33,167,821, plus strand): 5'-GAGGGGATGCTCCAGCACTAGGGCAGCCTGTCCCTCACCTTGGCTCCCTTCCCTCCTTGT[C>T]GCCCCTCGGAACCAGGCGAGCCAGCAGGACCCTGCAGGTGGAGTGGGAAGGAAGAGCACA-3'
Protein context (NP_542411.2, residues 1321-1341): GPAGSPGSEG[Arg1331Gln]QGGKGAKGDP